The following is an entry in ClinVar:

ClinVar aggregate classification (germline): Uncertain significance. Review status: criteria provided, multiple submitters, no conflicts (2 of 4 stars). 2 submissions from 2 submitters: Uncertain significance (2). Last evaluated 2026-03-31.

Conditions:
Hereditary cancer-predisposing syndrome. Also called: Tumor predisposition; Hereditary neoplastic syndrome; Neoplastic Syndromes, Hereditary; Hereditary Cancer Syndrome. Identifiers: Orphanet 140162, MedGen C0027672, MeSH D009386, MONDO:0015356.
Familial adenomatous polyposis 1 (FAP1). Also called: FAMILIAL ADENOMATOUS POLYPOSIS 1, ATTENUATED; POLYPOSIS, ADENOMATOUS INTESTINAL. Identifiers: MedGen C2713442, MONDO:0021056, OMIM 175100. Disease mechanism: loss of function.

Submissions (2):

Ambry Genetics
Classification: Uncertain significance for Hereditary cancer-predisposing syndrome. Last evaluated: 2026-03-31. Review status: criteria provided, single submitter. Criteria: Ambry Variant Classification Scheme 2023. Collection method: clinical testing. Allele origin: germline.
Comment: The p.P2665R variant (also known as c.7994C>G), located in coding exon 15 of the APC gene, results from a C to G substitution at nucleotide position 7994. The proline at codon 2665 is replaced by arginine, an amino acid with dissimilar properties. This amino acid position is well conserved in available vertebrate species. In addition, in silico predictors for this gene do not accurately predict pathogenicity. Missense variants in APC are not a common cause of disease (Spier I et al. Genet Med. 2024 Feb;26(2):100992). Based on the available evidence, the clinical significance of this variant remains unclear.

Labcorp Genetics (formerly Invitae), Labcorp
Classification: Uncertain significance for Familial adenomatous polyposis 1. Last evaluated: 2023-08-11. Review status: criteria provided, single submitter. Criteria: Invitae Variant Classification Sherloc (09022015). Collection method: clinical testing. Allele origin: germline.
Comment: This sequence change replaces proline, which is neutral and non-polar, with arginine, which is basic and polar, at codon 2665 of the APC protein (p.Pro2665Arg). This variant is not present in population databases (gnomAD no frequency). This variant has not been reported in the literature in individuals affected with APC-related conditions. Advanced modeling of protein sequence and biophysical properties (such as structural, functional, and spatial information, amino acid conservation, physicochemical variation, residue mobility, and thermodynamic stability) performed at Invitae indicates that this missense variant is not expected to disrupt APC protein function. In summary, the available evidence is currently insufficient to determine the role of this variant in disease. Therefore, it has been classified as a Variant of Uncertain Significance.

NM_000038.6(APC):c.7994C>G (p.Pro2665Arg)

Gene: APC (APC regulator of Wnt signaling pathway; plus strand). Cytogenetic location: 5q22.2.
Variant type: single nucleotide variant.
Coding change: c.7994C>G on transcript NM_000038.6 (MANE Select); coding-DNA position 7994, C replaced by G.
Protein change: p.Pro2665Arg; replaces proline 2665 with arginine.
Molecular consequence: missense variant. On other transcripts: non-coding transcript variant (2).
Genome position (GRCh38, 1-based): chr5:112,843,588, C>G. VCF-style: chr5-112843588-C-G. GRCh37 (hg19) VCF-style: chr5-112179285-C-G.
Other names: c.7994C>G (NM_000038.5); c.8024C>G, p.Pro2675Arg (NM_001354897.2); c.7919C>G, p.Pro2640Arg (NM_001354898.2); c.7910C>G, p.Pro2637Arg (NM_001354899.2); c.7871C>G, p.Pro2624Arg (NM_001354900.2); c.7817C>G, p.Pro2606Arg (NM_001354901.2, NM_001407453.1); c.7721C>G, p.Pro2574Arg (NM_001354902.2); c.7691C>G, p.Pro2564Arg (NM_001354903.2, NM_001407458.1, NM_001407459.1 and 1 more transcripts); and 12 more; short protein forms P2382R, P2505R, P2536R, P2564R, P2582R, P2637R, P2640R, P2647R.
Identifiers: ClinVar variation 2751906 (VCV002751906.4), dbSNP rs2149997587, ClinGen allele CA16038697.
Genomic context (GRCh38, chr5:112,843,588, plus strand): 5'-ATCAAATGGCACCTGCTGTTTCTAAAACAGAGGATGTTTGGGTGAGAATTGAGGACTGTC[C>G]CATTAACAATCCTAGATCTGGAAGATCTCCCACAGGTAATACTCCCCCGGTGATTGACAG-3'
Protein context (NP_000029.2, residues 2655-2675): EDVWVRIEDC[Pro2665Arg]INNPRSGRSP